The following is an entry in ClinVar:

ClinVar aggregate classification (germline): Likely pathogenic (1 of 4 stars; one submission).

Conditions:
Hereditary cancer-predisposing syndrome. Also called: Hereditary Cancer Syndrome; Hereditary neoplastic syndrome; Neoplastic Syndromes, Hereditary; Tumor predisposition. Identifiers: Orphanet 140162, MedGen C0027672, MeSH D009386, MONDO:0015356.

Submission:

Ambry Genetics
Classification: Likely pathogenic for Hereditary cancer-predisposing syndrome. Last evaluated: 2022-05-24. Review status: criteria provided, single submitter. Criteria: Ambry Variant Classification Scheme 2023. Collection method: clinical testing. Allele origin: germline.
Comment: The c.1301-2A>C intronic variant results from an A to C substitution two nucleotides upstream from coding exon 9 in the FLCN gene. This alteration has been observed in at least one individual with a personal and/or family history that is consistent with FLCN-related disease (Ambry internal data). RNA studies have demonstrated that this alteration results in a transcript predicted to lead to a protein with an in-frame deletion of coding exon 9 (Ambry internal data). Another alteration impacting the same acceptor site (c.1301-1G>A) has been detected in patients with FLCN-related disease (Ambry internal data). This nucleotide position is highly conserved in available vertebrate species. In silico splice site analysis predicts that this alteration will weaken the native splice acceptor site. This variant is considered to be rare based on population cohorts in the Genome Aggregation Database (gnomAD). Alterations that disrupt the canonical splice site are expected to cause aberrant splicing, resulting in an abnormal protein or a transcript that is subject to nonsense-mediated mRNA decay. As such, this alteration is classified as likely pathogenic

NM_144997.7(FLCN):c.1301-2A>C

Gene: FLCN (folliculin; minus strand). Cytogenetic location: 17p11.2.
Variant type: single nucleotide variant.
Coding change: c.1301-2A>C on transcript NM_144997.7 (MANE Select); the canonical splice acceptor site of the intron before coding-DNA position 1301, A replaced by C.
Molecular consequence: splice acceptor variant.
Genome position (GRCh38, 1-based): chr17:17,215,318, T>G on the plus strand (A>C on the coding strand, the complement: FLCN is on the minus strand). VCF-style: chr17-17215318-T-G. GRCh37 (hg19) VCF-style: chr17-17118632-T-G.
Other names: c.1301-2A>C (NM_001353231.2, NM_001353230.2); c.1355-2A>C (NM_001353229.2).
Identifiers: ClinVar variation 1769409 (VCV001769409.2), dbSNP rs1555607296, ClinGen allele CA398531522.
Genomic context (GRCh38, chr17:17,215,318, plus strand): 5'-CCCCACAGGGTGGAGGGTGGAACGTGCGGCTGCGTGGACCTCCACGATGACAGCAAACTC[T>G]GTAACAACACAAGGCCCGTGGCTCCTCATCTCCCCCATGCTCCTCACCTCCCCTGCGCTA-3'